The following is an entry in ClinVar:

ClinVar aggregate classification (germline): Benign (0 of 4 stars; one submission).

Conditions:
CSMD3-related disorder. Also called: CSMD3-related condition.

Allele frequency attached by ClinVar (database versions not stated): gnomAD exomes 0.29864; ESP Exome Variant Server 0.31247; gnomAD 0.35542; ExAC 0.36704; TOPMed 0.38086; 1000 Genomes Project 0.46605; 1000 Genomes Project 30x 0.46893.
gnomAD v4.1: 491,294 of 1,611,742 alleles (30%); highest among the groups gnomAD compares: East Asian, 70%; 84,547 homozygotes.

Submission:

PreventionGenetics, part of Exact Sciences
Classification: Benign for CSMD3-related condition. Last evaluated: 2019-10-18. Review status: no assertion criteria provided. Collection method: clinical testing. Allele origin: germline.
Comment: This variant is classified as benign based on ACMG/AMP sequence variant interpretation guidelines (Richards et al. 2015 PMID: 25741868, with internal and published modifications).

NM_198123.2(CSMD3):c.657A>G (p.Ile219Met)

Gene: CSMD3 (CUB and Sushi multiple domains 3; minus strand). Cytogenetic location: 8q23.3.
Variant type: single nucleotide variant.
Coding change: c.657A>G on transcript NM_198123.2 (MANE Select); coding-DNA position 657, A replaced by G.
Protein change: p.Ile219Met; replaces isoleucine 219 with methionine.
Molecular consequence: missense variant.
Genome position (GRCh38, 1-based): chr8:113,173,774, T>C on the plus strand (A>G on the coding strand, the complement: CSMD3 is on the minus strand). VCF-style: chr8-113173774-T-C. GRCh37 (hg19) VCF-style: chr8-114186003-T-C.
Other names: c.657A>G, p.Ile219Met (NM_001363185.1, NM_052900.3); c.537A>G, p.Ile179Met (NM_198124.2); short protein forms I179M, I219M.
Identifiers: ClinVar variation 3060528 (VCV003060528.2), dbSNP rs2219898, ClinGen allele CA4851178.